The following is an entry in ClinVar:

NM_001267550.2(TTN):c.103906C>T (p.Arg34636Cys)

Genes: TTN (titin; minus strand), TTN-AS1 (TTN antisense RNA 1; plus strand). Cytogenetic location: 2q31.2.
Variant type: single nucleotide variant.
Coding change: c.103906C>T on transcript NM_001267550.2 (MANE Select); coding-DNA position 103906, C replaced by T.
Protein change: p.Arg34636Cys; replaces arginine 34636 with cysteine.
Molecular consequence: missense variant.
Genome position (GRCh38, 1-based): chr2:178,532,709, G>A on the plus strand (C>T on the coding strand, the complement: TTN is on the minus strand). VCF-style: chr2-178532709-G-A. GRCh37 (hg19) VCF-style: chr2-179397436-G-A.
Other names: c.98983C>T, p.Arg32995Cys (NM_001256850.1); c.76711C>T, p.Arg25571Cys (NM_003319.4); c.96202C>T, p.Arg32068Cys (NM_133378.4); c.77086C>T, p.Arg25696Cys (NM_133432.3); c.77287C>T, p.Arg25763Cys (NM_133437.4); short protein forms R34636C, R25696C, R32068C, R32995C, R25763C, R25571C.
Identifiers: ClinVar variation 466722 (VCV000466722.6), dbSNP rs768575577, ClinGen allele CA1985526.

ClinVar aggregate classification (germline): Uncertain significance. Review status: criteria provided, multiple submitters, no conflicts (2 of 4 stars). 3 submissions from 3 submitters: Uncertain significance (3). Last evaluated 2021-09-10.

Conditions:
Cardiovascular phenotype. Identifiers: MedGen CN230736.
Autosomal recessive limb-girdle muscular dystrophy type 2J (LGMDR10). Also called: Limb-girdle muscular dystrophy, type 2J; MUSCULAR DYSTROPHY, LIMB-GIRDLE, AUTOSOMAL RECESSIVE 10. Identifiers: Orphanet 140922, MedGen C1837342, MONDO:0012127, OMIM 608807.
Dilated cardiomyopathy 1G (CMD1G). Identifiers: Orphanet 154, MedGen C1858763, MONDO:0011400, OMIM 604145.
Myopathy, myofibrillar, 9, with early respiratory failure (MFM9). Also called: EDSTROM MYOPATHY; MYOPATHY, PROXIMAL, WITH EARLY RESPIRATORY MUSCLE INVOLVEMENT; Hereditary myopathy with early respiratory failure; Myopathy, distal, with early respiratory failure, autosomal dominant. Identifiers: Orphanet 178464, Orphanet 34521, MedGen C1863599, MONDO:0011362, OMIM 603689.
Hypertrophic cardiomyopathy 9. Also called: Familial hypertrophic cardiomyopathy 9. Identifiers: MedGen C1861065, MONDO:0013412, OMIM 613765.
Early-onset myopathy with fatal cardiomyopathy (CMYO5). Also called: Salih Myopathy; CONGENITAL MYOPATHY 5 WITH CARDIOMYOPATHY. Identifiers: Orphanet 289377, MedGen C2673677, MONDO:0012714, OMIM 611705. Disease mechanism: loss of function.
Tibial muscular dystrophy (TMD). Also called: UDD MYOPATHY; Tibial muscular dystrophy, tardive; Udd Distal Myopathy – Tibial Muscular Dystrophy. Identifiers: Orphanet 609, MedGen C1838244, MONDO:0010870, OMIM 600334.

Allele frequency attached by ClinVar (database versions not stated): gnomAD exomes 0.00001 and 0.00003; ExAC 0.00003; gnomAD 0.00003; TOPMed 0.00005.
gnomAD v4.1: 21 of 1,613,796 alleles (0.0013%); highest among the groups gnomAD compares: East Asian, 0.011%; no homozygotes.

Submissions (3):

Fulgent Genetics
Classification: Uncertain significance for Tibial muscular dystrophy; Myopathy, myofibrillar, 9, with early respiratory failure; Dilated cardiomyopathy 1G; Autosomal recessive limb-girdle muscular dystrophy type 2J; Early-onset myopathy with fatal cardiomyopathy; Hypertrophic cardiomyopathy 9. Last evaluated: 2021-09-10. Review status: criteria provided, single submitter. Criteria: ACMG Guidelines, 2015. Collection method: clinical testing. Allele origin: unknown.

Ambry Genetics
Classification: Uncertain significance for Cardiovascular phenotype. Last evaluated: 2019-09-04. Review status: criteria provided, single submitter. Criteria: Ambry Variant Classification Scheme 2023. Collection method: clinical testing. Allele origin: germline.
Comment: The p.R25571C variant (also known as c.76711C>T), located in coding exon 185 of the TTN gene, results from a C to T substitution at nucleotide position 76711. The arginine at codon 25571 is replaced by cysteine, an amino acid with highly dissimilar properties. This amino acid position is highly conserved in available vertebrate species. In addition, the in silico prediction for this alteration is inconclusive. Since supporting evidence is limited at this time, the clinical significance of this alteration remains unclear.

Labcorp Genetics (formerly Invitae), Labcorp
Classification: Uncertain significance for Dilated cardiomyopathy 1G; Autosomal recessive limb-girdle muscular dystrophy type 2J. Last evaluated: 2017-01-18. Review status: criteria provided, single submitter. Criteria: Invitae Variant Classification Sherloc (09022015). Collection method: clinical testing. Allele origin: germline.